The following is an entry in ClinVar:

ClinVar aggregate classification (germline): Conflicting classifications of pathogenicity. Review status: criteria provided, conflicting classifications (1 of 4 stars). 2 submissions from 2 submitters: Uncertain significance (1); Benign (1). Last evaluated 2023-10-01.

Conditions:
Retinal dystrophy. Also called: Inherited retinal dystrophy. Identifiers: Orphanet 71862, MedGen C0854723, MeSH D058499, MONDO:0019118, HP:0000556.

Allele frequency attached by ClinVar (database versions not stated): gnomAD exomes below 0.00001 and 0.00005; ExAC 0.00001; gnomAD 0.00001; TOPMed 0.00001; 1000 Genomes Project 30x 0.00016; 1000 Genomes Project 0.00020.
gnomAD v4.1: 74 of 1,614,074 alleles (0.0046%); highest among the groups gnomAD compares: East Asian, 0.16%; no homozygotes.

Submissions (2):

Dept Of Ophthalmology, Nagoya University
Classification: Benign for Retinal dystrophy. Last evaluated: 2023-10-01. Review status: criteria provided, single submitter. Criteria: Submitter's publication. Collection method: research. Allele origin: germline. Affected: yes.

Labcorp Genetics (formerly Invitae), Labcorp
Classification: Uncertain significance. Last evaluated: 2022-09-27. Review status: criteria provided, single submitter. Criteria: Invitae Variant Classification Sherloc (09022015). Collection method: clinical testing. Allele origin: germline.
Comment: ClinVar contains an entry for this variant (Variation ID: 1467811). In summary, the available evidence is currently insufficient to determine the role of this variant in disease. Therefore, it has been classified as a Variant of Uncertain Significance. Algorithms developed to predict the effect of missense changes on protein structure and function are either unavailable or do not agree on the potential impact of this missense change (SIFT: "Tolerated"; PolyPhen-2: "Not Available"; Align-GVGD: "Class C0"). This missense change has been observed in individual(s) with retinitis pigmentosa (Invitae). This variant is present in population databases (rs191872498, gnomAD 0.006%). This sequence change replaces lysine, which is basic and polar, with glutamine, which is neutral and polar, at codon 617 of the TOPORS protein (p.Lys617Gln).

NM_005802.5(TOPORS):c.1849A>C (p.Lys617Gln)

Gene: TOPORS (TOP1 binding arginine/serine rich protein, E3 ubiquitin ligase; minus strand). Cytogenetic location: 9p21.1.
Variant type: single nucleotide variant.
Coding change: c.1849A>C on transcript NM_005802.5 (MANE Select); coding-DNA position 1849, A replaced by C.
Protein change: p.Lys617Gln; replaces lysine 617 with glutamine.
Molecular consequence: missense variant.
Genome position (GRCh38, 1-based): chr9:32,542,676, T>G on the plus strand (A>C on the coding strand, the complement: TOPORS is on the minus strand). VCF-style: chr9-32542676-T-G. GRCh37 (hg19) VCF-style: chr9-32542674-T-G.
Other names: c.1654A>C, p.Lys552Gln (NM_001195622.2); short protein forms K617Q, K552Q.
Identifiers: ClinVar variation 1467811 (VCV001467811.7), dbSNP rs191872498, ClinGen allele CA5020459.